The following is an entry in ClinVar:

ClinVar aggregate classification (germline): Uncertain significance (1 of 4 stars; one submission).

gnomAD v4.1: 1 of 1,613,770 alleles (0.000062%); highest among the groups gnomAD compares: South Asian, 0.0011%; no homozygotes.

Submission:

Ambry Genetics
Classification: Uncertain significance. Last evaluated: 2025-12-07. Review status: criteria provided, single submitter. Criteria: Ambry Variant Classification Scheme 2023. Collection method: clinical testing. Allele origin: germline.
Comment: The p.T1108I variant (also known as c.3323C>T), located in coding exon 13 of the CDK12 gene, results from a C to T substitution at nucleotide position 3323. The threonine at codon 1108 is replaced by isoleucine, an amino acid with similar properties. This amino acid position is conserved. In addition, the in silico prediction for this alteration is inconclusive. Based on the available evidence, the clinical significance of this variant remains unclear.

NM_016507.4(CDK12):c.3323C>T (p.Thr1108Ile)

Gene: CDK12 (cyclin dependent kinase 12; plus strand). Cytogenetic location: 17q12.
Variant type: single nucleotide variant.
Coding change: c.3323C>T on transcript NM_016507.4 (MANE Select); coding-DNA position 3323, C replaced by T.
Protein change: p.Thr1108Ile; replaces threonine 1108 with isoleucine.
Molecular consequence: missense variant.
Genome position (GRCh38, 1-based): chr17:39,525,879, C>T. VCF-style: chr17-39525879-C-T. GRCh37 (hg19) VCF-style: chr17-37682132-C-T.
Other names: c.3323C>T, p.Thr1108Ile (NM_015083.4); short protein forms T1108I.
Identifiers: ClinVar variation 4651480 (VCV004651480.1).